The following is an entry in ClinVar:

ClinVar aggregate classification (germline): Uncertain significance. Review status: criteria provided, single submitter (1 of 4 stars). 2 submissions from 2 submitters: Uncertain significance (1). 1 of the submissions does not count toward it. Last evaluated 2023-08-11.

Conditions:
Multiple epiphyseal dysplasia type 4 (EDM4). Also called: MULTIPLE EPIPHYSEAL DYSPLASIA WITH BILAYERED PATELLAE; MULTIPLE EPIPHYSEAL DYSPLASIA WITH CLUBFOOT; MULTIPLE EPIPHYSEAL DYSPLASIA, AUTOSOMAL RECESSIVE; SLC26A2-Related Multiple Epiphyseal Dysplasia; Multiple Epiphyseal Dysplasia, Recessive. Identifiers: Orphanet 93307, MedGen C1847593, MONDO:0009189, OMIM 226900.

Allele frequency attached by ClinVar (database versions not stated): TOPMed 0.00002; gnomAD exomes 0.00004; ExAC 0.00006; 1000 Genomes Project 30x 0.00016; 1000 Genomes Project 0.00020.
gnomAD v4.1: 52 of 1,614,130 alleles (0.0032%); highest among the groups gnomAD compares: Non-Finnish European, 0.0041%; no homozygotes.

Submissions (2):

Women's Health and Genetics/Laboratory Corporation of America, LabCorp
Classification: Uncertain significance. Last evaluated: 2023-08-11. Review status: criteria provided, single submitter. Criteria: LabCorp Variant Classification Summary - May 2015. Collection method: clinical testing. Allele origin: germline.
Comment: Variant summary: SLC26A2 c.797C>T (p.Thr266Ile) results in a non-conservative amino acid change located in the SLC26A/SulP transporter domain (IPR011547) of the encoded protein sequence. Five of five in-silico tools predict a damaging effect of the variant on protein function. The variant allele was found at a frequency of 4.4e-05 in 251316 control chromosomes (gnomAD). This frequency is not significantly higher than estimated for a pathogenic variant in SLC26A2 causing Sulfate Transporter-Related Osteochondrodysplasia (4.4e-05 vs 0.003), allowing no conclusion about variant significance. c.797C>T has been reported in the literature in an individual affected with intermediate form between recessive form of multiple epiphyseal dysplasia (r-MED) and diastrophic dysplasia (DTD) (example: Miyake_2008). These data do not allow any conclusion about variant significance. To our knowledge, no experimental evidence demonstrating an impact on protein function has been reported. The following publication has been ascertained in the context of this evaluation (PMID: 18553123). One submitter has cited clinical-significance assessments for this variant to ClinVar after 2014 and has classified the variant as uncertain significance. Based on the evidence outlined above, the variant was classified as uncertain significance.

Counsyl
Classification: Uncertain significance for Multiple epiphyseal dysplasia type 4. Last evaluated: 2016-12-16. Review status: no assertion criteria provided. Collection method: clinical testing. Allele origin: unknown. Not counted in ClinVar's aggregate classification.

Literature cited by the submitters: PubMed 18553123 (cited by Women's Health and Genetics/Laboratory Corporation of America, LabCorp and Counsyl).

NM_000112.4(SLC26A2):c.797C>T (p.Thr266Ile)

Gene: SLC26A2 (solute carrier family 26 member 2; plus strand). Cytogenetic location: 5q32.
Variant type: single nucleotide variant.
Coding change: c.797C>T on transcript NM_000112.4 (MANE Select); coding-DNA position 797, C replaced by T.
Protein change: p.Thr266Ile; replaces threonine 266 with isoleucine.
Molecular consequence: missense variant.
Genome position (GRCh38, 1-based): chr5:149,980,390, C>T. VCF-style: chr5-149980390-C-T. GRCh37 (hg19) VCF-style: chr5-149359953-C-T.
Other names: short protein forms T266I.
Identifiers: ClinVar variation 550140 (VCV000550140.3), dbSNP rs199789515, ClinGen allele CA3505323.